The following is an entry in ClinVar:

NM_053025.4(MYLK):c.3875G>A (p.Gly1292Asp)

Gene: MYLK (myosin light chain kinase; minus strand). Cytogenetic location: 3q21.1.
Variant type: single nucleotide variant.
Coding change: c.3875G>A on transcript NM_053025.4 (MANE Select); coding-DNA position 3875, G replaced by A.
Protein change: p.Gly1292Asp; replaces glycine 1292 with aspartic acid.
Molecular consequence: missense variant.
Genome position (GRCh38, 1-based): chr3:123,664,215, C>T on the plus strand (G>A on the coding strand, the complement: MYLK is on the minus strand). VCF-style: chr3-123664215-C-T. GRCh37 (hg19) VCF-style: chr3-123383062-C-T.
Other names: c.3668G>A, p.Gly1223Asp (NM_053028.4, NM_053026.4); c.3347G>A, p.Gly1116Asp (NM_001321309.2); c.3875G>A, p.Gly1292Asp (NM_053027.4); short protein forms G1223D, G1116D, G1292D.
Identifiers: ClinVar variation 4635441 (VCV004635441.1).

ClinVar aggregate classification (germline): Uncertain significance (1 of 4 stars; one submission).

Conditions:
Familial thoracic aortic aneurysm and aortic dissection (TAAD). Also called: Thoracic aortic aneurysms and dissections. Identifiers: Orphanet 91387, MedGen C4707243, MONDO:0019625.

Submission:

Ambry Genetics
Classification: Uncertain significance for Familial thoracic aortic aneurysm and aortic dissection. Last evaluated: 2025-10-25. Review status: criteria provided, single submitter. Criteria: Ambry Variant Classification Scheme 2023. Collection method: clinical testing. Allele origin: germline.
Comment: The p.G1292D variant (also known as c.3875G>A), located in coding exon 20 of the MYLK gene, results from a G to A substitution at nucleotide position 3875. The glycine at codon 1292 is replaced by aspartic acid, an amino acid with similar properties. This amino acid position is conserved. In addition, this alteration is predicted to be tolerated by in silico analysis. Based on the available evidence, the clinical significance of this variant remains unclear.